The following is an entry in ClinVar:

ClinVar aggregate classification (germline): Uncertain significance. Review status: criteria provided, multiple submitters, no conflicts (2 of 4 stars). 2 submissions from 2 submitters: Uncertain significance (2). Last evaluated 2025-04-05.

Conditions:
Cardiovascular phenotype. Identifiers: MedGen CN230736.
Long QT syndrome (LQTS). Identifiers: MedGen C0023976, MeSH D008133, MONDO:0002442. Disease mechanism: loss of function. Inheritance: Various modes of inheritance.

Allele frequency attached by ClinVar (database versions not stated): gnomAD exomes below 0.00001 and 0.00001; gnomAD 0.00004 and 0.00005; TOPMed 0.00006.
gnomAD v4.1: 17 of 1,613,558 alleles (0.0011%); highest among the groups gnomAD compares: African/African-American, 0.008%; no homozygotes.

Submissions (2):

Ambry Genetics
Classification: Uncertain significance for Cardiovascular phenotype. Last evaluated: 2025-04-05. Review status: criteria provided, single submitter. Criteria: Ambry Variant Classification Scheme 2023. Collection method: clinical testing. Allele origin: germline.
Comment: The p.R1824Q variant (also known as c.5471G>A), located in coding exon 22 of the AKAP9 gene, results from a G to A substitution at nucleotide position 5471. The arginine at codon 1824 is replaced by glutamine, an amino acid with highly similar properties. This amino acid position is not well conserved in available vertebrate species, and glutamine is the reference amino acid in other vertebrate species. In addition, this alteration is predicted to be tolerated by in silico analysis. Since supporting evidence is limited at this time, the clinical significance of this alteration remains unclear.

Labcorp Genetics (formerly Invitae), Labcorp
Classification: Uncertain significance for Long QT syndrome. Last evaluated: 2023-09-19. Review status: criteria provided, single submitter. Criteria: Invitae Variant Classification Sherloc (09022015). Collection method: clinical testing. Allele origin: germline.
Comment: Algorithms developed to predict the effect of missense changes on protein structure and function output the following: SIFT: "Not Available"; PolyPhen-2: "Benign"; Align-GVGD: "Not Available". The glutamine amino acid residue is found in multiple mammalian species, which suggests that this missense change does not adversely affect protein function. This sequence change replaces arginine, which is basic and polar, with glutamine, which is neutral and polar, at codon 1824 of the AKAP9 protein (p.Arg1824Gln). This variant is present in population databases (no rsID available, gnomAD 0.01%). This variant has not been reported in the literature in individuals affected with AKAP9-related conditions. ClinVar contains an entry for this variant (Variation ID: 519404). In summary, the available evidence is currently insufficient to determine the role of this variant in disease. Therefore, it has been classified as a Variant of Uncertain Significance.

NM_005751.5(AKAP9):c.5471G>A (p.Arg1824Gln)

Gene: AKAP9 (A-kinase anchoring protein 9; plus strand). Cytogenetic location: 7q21.2.
Variant type: single nucleotide variant.
Coding change: c.5471G>A on transcript NM_005751.5 (MANE Select); coding-DNA position 5471, G replaced by A.
Protein change: p.Arg1824Gln; replaces arginine 1824 with glutamine.
Molecular consequence: missense variant.
Genome position (GRCh38, 1-based): chr7:92,052,828, G>A. VCF-style: chr7-92052828-G-A. GRCh37 (hg19) VCF-style: chr7-91682142-G-A.
Other names: c.5471G>A, p.Arg1824Gln (NM_147185.3); short protein forms R1824Q.
Identifiers: ClinVar variation 519404 (VCV000519404.11), dbSNP rs970122684, ClinGen allele CA161907048.